The following is an entry in ClinVar:

ClinVar aggregate classification (germline): Pathogenic (1 of 4 stars; one submission).

Conditions:
Hereditary cancer-predisposing syndrome. Also called: Neoplastic Syndromes, Hereditary; Tumor predisposition; Hereditary Cancer Syndrome; Hereditary neoplastic syndrome. Identifiers: Orphanet 140162, MedGen C0027672, MeSH D009386, MONDO:0015356.

Submission:

Ambry Genetics
Classification: Pathogenic for Hereditary cancer-predisposing syndrome. Last evaluated: 2014-12-17. Review status: criteria provided, single submitter. Criteria: Ambry Variant Classification Scheme 2023. Collection method: clinical testing. Allele origin: germline.
Comment: The c.1198delA pathogenic mutation, located in coding exon 4 of the BARD1 gene, results from a deletion of one nucleotide at position 1198, causing a translational frameshift with a predicted alternate stop codon. Since frameshifts are typically deleterious in nature, this alteration is interpreted as a disease-causing mutation (ACMG Recommendations for Standards for Interpretation and Reporting of Sequence Variations. Revision 2007. Genet Med. 2008;10:294).

NM_000465.4(BARD1):c.1198del (p.Ser400fs)

Gene: BARD1 (BRCA1 associated RING domain 1; minus strand). Cytogenetic location: 2q35.
Variant type: Deletion.
Coding change: c.1198del on transcript NM_000465.4 (MANE Select); coding-DNA position 1198, one base deleted (A; older notation c.1198delA).
Protein change: p.Ser400fs; shifts the reading frame from serine 400.
Molecular consequence: frameshift variant. On other transcripts: non-coding transcript variant (2), intron variant (3).
Genome position (GRCh38, 1-based): chr2:214,780,676, T deleted on the plus strand (A on the coding strand, the reverse complement: BARD1 is on the minus strand); the first of 2 consecutive T bases (chr2:214,780,676-214,780,677); deleting either gives the same sequence. VCF-style (leftmost placement, unchanged base first): chr2-214780675-CT-C. GRCh37 (hg19) VCF-style: chr2-215645399-CT-C.
Other names: c.1141del, p.Ser381fs (NM_001282543.2); c.159-28121del (NM_001282548.2); c.215+16385del (NM_001282545.2); c.364+11621del (NM_001282549.2); short protein forms S400fs, S381fs.
Identifiers: ClinVar variation 187646 (VCV000187646.5), dbSNP rs786203891, ClinGen allele CA198184.
Genomic context (GRCh38, chr2:214,780,675, plus strand): 5'-ATATTGGGCAACAGCTTCATTGCTGAGGGACTAGACATCACTCGCCTGTAACTTGAACTA[CT>C]TAATGTAGAAGGTGGTGTACCTGGTGAAAGACTAATGAATTCATCGGACATGTTACTGTT-3'